The following is an entry in ClinVar:

ClinVar aggregate classification (germline): Pathogenic/Likely pathogenic. Review status: criteria provided, multiple submitters, no conflicts (2 of 4 stars). 2 submissions from 2 submitters: Pathogenic (1); Likely pathogenic (1). Last evaluated 2023-12-14.

Conditions:
PRSS56-related disorder. Also called: PRSS56-related condition.
Isolated microphthalmia 6. Also called: MICROPHTHALMIA, POSTERIOR NONSYNDROMIC. Identifiers: Orphanet 2542, MedGen C3150757, MONDO:0013293, OMIM 613517.

Submissions (2):

Blueprint Genetics
Classification: Likely pathogenic for PRSS56-related disorders. Last evaluated: 2023-12-14. Review status: criteria provided, single submitter. Criteria: ACMG Guidelines, 2015. Collection method: clinical testing. Allele origin: germline. Affected: yes. Observed: 5 variant alleles.

Labcorp Genetics (formerly Invitae), Labcorp
Classification: Pathogenic for Isolated microphthalmia 6. Last evaluated: 2021-05-18. Review status: criteria provided, single submitter. Criteria: Invitae Variant Classification Sherloc (09022015). Collection method: clinical testing. Allele origin: germline.
Comment: The frequency data for this variant in the population databases is considered unreliable, as metrics indicate poor data quality at this position in the ExAC database. Algorithms developed to predict the effect of sequence changes on RNA splicing suggest that this variant may create or strengthen a splice site, but this prediction has not been confirmed by published transcriptional studies. This variant has been observed in individual(s) with microphthalmia (PMID: 31992737). This variant is also known as c.1571del. This sequence change creates a premature translational stop signal (p.Val525Cysfs*55) in the PRSS56 gene. While this is not anticipated to result in nonsense mediated decay, it is expected to disrupt the last 79 amino acid(s) of the PRSS56 protein. This variant disrupts the C-terminus of the PRSS56 protein. Other variant(s) that disrupt this region (p.Arg563Alafs*17) have been determined to be pathogenic (PMID: 31266062, Invitae). This suggests that variants that disrupt this region of the protein are likely to be causative of disease. For these reasons, this variant has been classified as Pathogenic.

Literature cited by the submitters: PubMed 31992737 (cited by Labcorp Genetics (formerly Invitae), Labcorp); PubMed 31266062 (cited by Labcorp Genetics (formerly Invitae), Labcorp).

NM_001195129.2(PRSS56):c.1573del (p.Val525fs)

Gene: PRSS56 (serine protease 56; plus strand). Cytogenetic location: 2q37.1.
Variant type: Deletion.
Coding change: c.1573del on transcript NM_001195129.2 (MANE Select); coding-DNA position 1573, one base deleted (G; older notation c.1573delG).
Protein change: p.Val525fs; shifts the reading frame from valine 525.
Molecular consequence: frameshift variant.
Genome position (GRCh38, 1-based): chr2:232,525,267, G deleted; the last of 3 consecutive G bases (chr2:232,525,265-232,525,267); deleting any one gives the same sequence. VCF-style (leftmost placement, unchanged base first): chr2-232525264-TG-T. GRCh37 (hg19) VCF-style: chr2-233389974-TG-T.
Other names: c.1576del, p.Val526fs (NM_001369848.1); short protein forms V526fs, V525fs.
Identifiers: ClinVar variation 1450154 (VCV001450154.9), dbSNP rs780960251, ClinGen allele CA2167807.